The following is an entry in ClinVar:

NM_002230.4(JUP):c.100G>A (p.Val34Met)

Gene: JUP (junction plakoglobin; minus strand). Cytogenetic location: 17q21.2.
Variant type: single nucleotide variant.
Coding change: c.100G>A on transcript NM_002230.4 (MANE Select); coding-DNA position 100, G replaced by A.
Protein change: p.Val34Met; replaces valine 34 with methionine.
Molecular consequence: missense variant.
Genome position (GRCh38, 1-based): chr17:41,771,755, C>T on the plus strand (G>A on the coding strand, the complement: JUP is on the minus strand). VCF-style: chr17-41771755-C-T. GRCh37 (hg19) VCF-style: chr17-39928007-C-T.
Other names: c.100G>A (NM_021991.2); c.100G>A, p.Val34Met (NM_001352773.2, NM_001352774.2, NM_001352775.2 and 3 more transcripts); short protein forms V34M.
Identifiers: ClinVar variation 201807 (VCV000201807.16), dbSNP rs794729029, ClinGen allele CA308441.

ClinVar aggregate classification (germline): Uncertain significance. Review status: criteria provided, multiple submitters, no conflicts (2 of 4 stars). 6 submissions from 5 submitters: Uncertain significance (6). Last evaluated 2025-05-18.

Conditions:
Cardiovascular phenotype. Identifiers: MedGen CN230736.
Arrhythmogenic right ventricular dysplasia 12. Also called: ARRHYTHMOGENIC RIGHT VENTRICULAR DYSPLASIA, FAMILIAL, 12. Identifiers: MedGen C1969081, MONDO:0012684, OMIM 611528.
Naxos disease (NXD). Also called: WOOLLY HAIR, PALMOPLANTAR KERATODERMA, AND CARDIAC ABNORMALITIES; KERATOSIS PALMOPLANTARIS WITH ARRHYTHMOGENIC CARDIOMYOPATHY; MAL DE NAXOS; PALMOPLANTAR KERATODERMA WITH ARRHYTHMOGENIC RIGHT VENTRICULAR CARDIOMYOPATHY AND WOOLLY HAIR; CARDIOMYOPATHY, ARRHYTHMOGENIC RIGHT VENTRICULAR, WITH SKIN, HAIR, AND NAIL ABNORMALITIES. Identifiers: Orphanet 34217, MedGen C1832600, MONDO:0011017, OMIM 601214.

Allele frequency attached by ClinVar (database versions not stated): ExAC 0.00001; gnomAD exomes 0.00001.
gnomAD v4.1: 11 of 1,614,118 alleles (0.00068%); highest among the groups gnomAD compares: South Asian, 0.0088%; no homozygotes.

Submissions (6):

Labcorp Genetics (formerly Invitae), Labcorp
Classification: Uncertain significance for Arrhythmogenic right ventricular dysplasia 12; Naxos disease. Last evaluated: 2025-05-18. Review status: criteria provided, single submitter. Criteria: Invitae Variant Classification Sherloc (09022015). Collection method: clinical testing. Allele origin: germline.
Comment: This sequence change replaces valine, which is neutral and non-polar, with methionine, which is neutral and non-polar, at codon 34 of the JUP protein (p.Val34Met). This variant is present in population databases (rs781929759, gnomAD 0.006%). This variant has not been reported in the literature in individuals affected with JUP-related conditions. ClinVar contains an entry for this variant (Variation ID: 201807). An algorithm developed to predict the effect of missense changes on protein structure and function (PolyPhen-2) suggests that this variant is likely to be disruptive. In summary, the available evidence is currently insufficient to determine the role of this variant in disease. Therefore, it has been classified as a Variant of Uncertain Significance.

Blueprint Genetics
Classification: Uncertain significance. Last evaluated: 2023-09-29. Review status: criteria provided, single submitter. Criteria: ACMG Guidelines, 2015. Collection method: clinical testing. Allele origin: germline.

Women's Health and Genetics/Laboratory Corporation of America, LabCorp
Classification: Uncertain significance. Last evaluated: 2023-08-20. Review status: criteria provided, single submitter. Criteria: LabCorp Variant Classification Summary - May 2015. Collection method: clinical testing. Allele origin: germline.

Ambry Genetics
Classification: Uncertain significance for Cardiovascular phenotype. Last evaluated: 2020-12-14. Review status: criteria provided, single submitter. Criteria: Ambry Variant Classification Scheme 2023. Collection method: clinical testing. Allele origin: germline.
Comment: The p.V34M variant (also known as c.100G>A), located in coding exon 1 of the JUP gene, results from a G to A substitution at nucleotide position 100. The valine at codon 34 is replaced by methionine, an amino acid with highly similar properties. This amino acid position is not well conserved in available vertebrate species. In addition, this alteration is predicted to be tolerated by in silico analysis. Since supporting evidence is limited at this time, the clinical significance of this alteration remains unclear.

Illumina Laboratory Services, Illumina
Classification: Uncertain significance for Arrhythmogenic right ventricular dysplasia 12. Last evaluated: 2018-01-13. Review status: criteria provided, single submitter. Criteria: ICSL Variant Classification Criteria 13 December 2019. Collection method: clinical testing. Allele origin: germline.

Illumina Laboratory Services, Illumina
Classification: Uncertain significance for Naxos disease. Last evaluated: 2018-01-13. Review status: criteria provided, single submitter. Criteria: ICSL Variant Classification Criteria 13 December 2019. Collection method: clinical testing. Allele origin: germline.